The following is an entry in ClinVar:

ClinVar aggregate classification (germline): Uncertain significance (1 of 4 stars; one submission).

gnomAD v4.1: 4 of 1,613,472 alleles (0.00025%); highest among the groups gnomAD compares: African/African-American, 0.0053%; no homozygotes.

Submission:

Labcorp Genetics (formerly Invitae), Labcorp
Classification: Uncertain significance. Last evaluated: 2025-03-30. Review status: criteria provided, single submitter. Criteria: Invitae Variant Classification Sherloc (09022015). Collection method: clinical testing. Allele origin: germline.
Comment: This sequence change replaces serine, which is neutral and polar, with phenylalanine, which is neutral and non-polar, at codon 194 of the BAZ2B protein (p.Ser194Phe). This variant is present in population databases (rs748814473, gnomAD 0.008%). This variant has not been reported in the literature in individuals affected with BAZ2B-related conditions. Experimental studies and prediction algorithms are not available or were not evaluated, and the functional significance of this variant is currently unknown. In summary, the available evidence is currently insufficient to determine the role of this variant in disease. Therefore, it has been classified as a Variant of Uncertain Significance.

NM_013450.4(BAZ2B):c.587C>T (p.Ser196Phe)

Gene: BAZ2B (bromodomain adjacent to zinc finger domain 2B; minus strand). Cytogenetic location: 2q24.2.
Variant type: single nucleotide variant.
Coding change: c.587C>T on transcript NM_013450.4 (MANE Select); coding-DNA position 587, C replaced by T.
Protein change: p.Ser196Phe; replaces serine 196 with phenylalanine.
Molecular consequence: missense variant.
Genome position (GRCh38, 1-based): chr2:159,446,891, G>A on the plus strand (C>T on the coding strand, the complement: BAZ2B is on the minus strand). VCF-style: chr2-159446891-G-A. GRCh37 (hg19) VCF-style: chr2-160303402-G-A.
Other names: c.581C>T, p.Ser194Phe (NM_001289975.1); c.398C>T, p.Ser133Phe (NM_001329857.2); c.587C>T, p.Ser196Phe (NM_001329858.2); short protein forms S196F, S133F, S194F.
Identifiers: ClinVar variation 4716320 (VCV004716320.1).